The following is an entry in ClinVar:

ClinVar aggregate classification (germline): Uncertain significance (1 of 4 stars; one submission).

Submission:

Labcorp Genetics (formerly Invitae), Labcorp
Classification: Uncertain significance. Last evaluated: 2025-10-27. Review status: criteria provided, single submitter. Criteria: Invitae Variant Classification Sherloc (09022015). Collection method: clinical testing. Allele origin: germline.
Comment: This sequence change replaces glycine, which is neutral and non-polar, with aspartic acid, which is acidic and polar, at codon 937 of the FLNB protein (p.Gly937Asp). This variant is not present in population databases (gnomAD no frequency). This variant has not been reported in the literature in individuals affected with FLNB-related conditions. Invitae Evidence Modeling of protein sequence and biophysical properties (such as structural, functional, and spatial information, amino acid conservation, physicochemical variation, residue mobility, and thermodynamic stability) indicates that this missense variant is not expected to disrupt FLNB protein function with a negative predictive value of 95%. In summary, the available evidence is currently insufficient to determine the role of this variant in disease. Therefore, it has been classified as a Variant of Uncertain Significance.

NM_001457.4(FLNB):c.2810G>A (p.Gly937Asp)

Gene: FLNB (filamin B; plus strand). Cytogenetic location: 3p14.3.
Variant type: single nucleotide variant.
Coding change: c.2810G>A on transcript NM_001457.4 (MANE Select); coding-DNA position 2810, G replaced by A.
Protein change: p.Gly937Asp; replaces glycine 937 with aspartic acid.
Molecular consequence: missense variant.
Genome position (GRCh38, 1-based): chr3:58,118,936, G>A. VCF-style: chr3-58118936-G-A. GRCh37 (hg19) VCF-style: chr3-58104663-G-A.
Other names: c.2810G>A, p.Gly937Asp (NM_001164317.2, NM_001164318.2, NM_001164319.2); short protein forms G937D.
Identifiers: ClinVar variation 4801699 (VCV004801699.1).
Genomic context (GRCh38, chr3:58,118,936, plus strand): 5'-ACATGCAGGTTCTGGTGACTTACGGTGGCGATCCCATCCCTAAAAGCCCTTTCACTGTGG[G>A]TGTTGCTGCACCGCTGGATCTGAGCAAGATAAAACTCAATGGGCTGGAAAACAGTAAGTG-3'
Protein context (NP_001448.2, residues 927-947): DPIPKSPFTV[Gly937Asp]VAAPLDLSKI